The following is an entry in ClinVar:

NM_144670.6(A2ML1):c.498C>A (p.Asn166Lys)

Gene: A2ML1 (alpha-2-macroglobulin like 1; plus strand). Cytogenetic location: 12p13.31.
Variant type: single nucleotide variant.
Coding change: c.498C>A on transcript NM_144670.6 (MANE Select); coding-DNA position 498, C replaced by A.
Protein change: p.Asn166Lys; replaces asparagine 166 with lysine.
Molecular consequence: missense variant.
Genome position (GRCh38, 1-based): chr12:8,835,521, C>A. VCF-style: chr12-8835521-C-A. GRCh37 (hg19) VCF-style: chr12-8988117-C-A.
Other names: short protein forms N166K.
Identifiers: ClinVar variation 4803823 (VCV004803823.1).
Genomic context (GRCh38, chr12:8,835,521, plus strand): 5'-GGGAAGCAAACGGGCAGGCACATCATGCAGTTTCTCTATTGGACAGGATCCAAATAGCAA[C>A]AGGATTGCACAGTGGCTGGAAGTGGTACCTGAGCAAGGCATTGTAGACCTGTCCTTCCAA-3'
Protein context (NP_653271.3, residues 156-176): SMVELQDPNS[Asn166Lys]RIAQWLEVVP

ClinVar aggregate classification (germline): Uncertain significance (1 of 4 stars; one submission).

Submission:

Labcorp Genetics (formerly Invitae), Labcorp
Classification: Uncertain significance. Last evaluated: 2025-12-31. Review status: criteria provided, single submitter. Criteria: Invitae Variant Classification Sherloc (09022015). Collection method: clinical testing. Allele origin: germline.
Comment: This sequence change replaces asparagine, which is neutral and polar, with lysine, which is basic and polar, at codon 166 of the A2ML1 protein (p.Asn166Lys). This variant is not present in population databases (gnomAD no frequency). This variant has not been reported in the literature in individuals affected with A2ML1-related conditions. An algorithm developed to predict the effect of missense changes on protein structure and function (PolyPhen-2) suggests that this variant is likely to be tolerated. In summary, the available evidence is currently insufficient to determine the role of this variant in disease. Therefore, it has been classified as a Variant of Uncertain Significance.